The following is an entry in ClinVar:

NM_025074.7(FRAS1):c.891G>A (p.Met297Ile)

Gene: FRAS1 (Fraser extracellular matrix complex subunit 1; plus strand). Cytogenetic location: 4q21.21.
Variant type: single nucleotide variant.
Coding change: c.891G>A on transcript NM_025074.7 (MANE Select); coding-DNA position 891, G replaced by A.
Protein change: p.Met297Ile; replaces methionine 297 with isoleucine.
Molecular consequence: missense variant.
Genome position (GRCh38, 1-based): chr4:78,267,342, G>A. VCF-style: chr4-78267342-G-A. GRCh37 (hg19) VCF-style: chr4-79188496-G-A.
Other names: c.891G>A, p.Met297Ile (NM_001166133.2); short protein forms M297I.
Identifiers: ClinVar variation 2074109 (VCV002074109.4), dbSNP rs2476541686, ClinGen allele CA357355756.

ClinVar aggregate classification (germline): Uncertain significance (1 of 4 stars; one submission).

Allele frequency attached by ClinVar (database versions not stated): gnomAD exomes below 0.00001.
gnomAD v4.1: 3 of 1,613,886 alleles (0.00019%); highest among the groups gnomAD compares: Non-Finnish European, 0.00025%; no homozygotes.

Submission:

Labcorp Genetics (formerly Invitae), Labcorp
Classification: Uncertain significance. Last evaluated: 2024-01-24. Review status: criteria provided, single submitter. Criteria: Invitae Variant Classification Sherloc (09022015). Collection method: clinical testing. Allele origin: germline.
Comment: This sequence change replaces methionine, which is neutral and non-polar, with isoleucine, which is neutral and non-polar, at codon 297 of the FRAS1 protein (p.Met297Ile). This variant is not present in population databases (gnomAD no frequency). This variant has not been reported in the literature in individuals affected with FRAS1-related conditions. ClinVar contains an entry for this variant (Variation ID: 2074109). Algorithms developed to predict the effect of missense changes on protein structure and function output the following: SIFT: "Not Available"; PolyPhen-2: "Benign"; Align-GVGD: "Not Available". The isoleucine amino acid residue is found in multiple mammalian species, which suggests that this missense change does not adversely affect protein function. In summary, the available evidence is currently insufficient to determine the role of this variant in disease. Therefore, it has been classified as a Variant of Uncertain Significance.